The following is an entry in ClinVar:

NM_022725.4(FANCF):c.955C>T (p.Pro319Ser)

Genes: FANCF (FA complementation group F; minus strand), LOC130005443 (ATAC-STARR-seq lymphoblastoid active region 4533; plus strand). Cytogenetic location: 11p14.3.
Variant type: single nucleotide variant.
Coding change: c.955C>T on transcript NM_022725.4 (MANE Select); coding-DNA position 955, C replaced by T.
Protein change: p.Pro319Ser; replaces proline 319 with serine.
Molecular consequence: missense variant.
Genome position (GRCh38, 1-based): chr11:22,624,856, G>A on the plus strand (C>T on the coding strand, the complement: FANCF is on the minus strand). VCF-style: chr11-22624856-G-A. GRCh37 (hg19) VCF-style: chr11-22646402-G-A.
Other names: short protein forms P319S.
Identifiers: ClinVar variation 134350 (VCV000134350.1), dbSNP rs587778342, ClinGen allele CA159569.

ClinVar aggregate classification (germline): not provided (0 of 4 stars; one submission).

Allele frequency attached by ClinVar (database versions not stated): TOPMed 0.00006; gnomAD 0.00010 and 0.00011.

Submission:

ITMI
No classification provided. Condition: AllHighlyPenetrant. Last evaluated: 2013-09-19. Review status: no classification provided. Collection method: reference population. Allele origin: germline.
Comment: Please see associated publication for description of ethnicities

Literature cited by the submitters: PubMed 24728327.